The following is an entry in ClinVar:

NM_002519.3(NPAT):c.2953T>C (p.Phe985Leu)

Gene: NPAT (nuclear protein, coactivator of histone transcription; minus strand). Cytogenetic location: 11q22.3.
Variant type: single nucleotide variant.
Coding change: c.2953T>C on transcript NM_002519.3 (MANE Select); coding-DNA position 2953, T replaced by C.
Protein change: p.Phe985Leu; replaces phenylalanine 985 with leucine.
Molecular consequence: missense variant.
Genome position (GRCh38, 1-based): chr11:108,169,801, A>G on the plus strand (T>C on the coding strand, the complement: NPAT is on the minus strand). VCF-style: chr11-108169801-A-G. GRCh37 (hg19) VCF-style: chr11-108040528-A-G.
Other names: c.2953T>C, p.Phe985Leu (NM_001321307.1); short protein forms F985L.
Identifiers: ClinVar variation 1798089 (VCV001798089.2), dbSNP rs2496710755, ClinGen allele CA382511873.
Genomic context (GRCh38, chr11:108,169,801, plus strand): 5'-TACCTATACAAGGCTTGTTTCTTAGTCCCTGAGCCTTCTGAGATTTTGGAGGGACGGGGA[A>G]TTGAGGGATACTTCTATTGCATACAGGTGCTGTCAAAGGCATATGAAGAACCTGGAAGAG-3'
Protein context (NP_002510.2, residues 975-995): APVCNRSIPQ[Phe985Leu]PVPPKSQKAQ

ClinVar aggregate classification (germline): Uncertain significance (1 of 4 stars; one submission).

Submission:

Ambry Genetics
Classification: Uncertain significance. Last evaluated: 2022-04-19. Review status: criteria provided, single submitter. Criteria: Ambry Variant Classification Scheme 2023. Collection method: clinical testing. Allele origin: germline.
Comment: The p.F985L variant (also known as c.2953T>C), located in coding exon 15 of the NPAT gene, results from a T to C substitution at nucleotide position 2953. The phenylalanine at codon 985 is replaced by leucine, an amino acid with highly similar properties. This amino acid position is conserved. In addition, this alteration is predicted to be tolerated by in silico analysis. Since supporting evidence is limited at this time, the clinical significance of this alteration remains unclear.